The following is an entry in ClinVar:

NM_001204.7(BMPR2):c.1016T>A (p.Val339Asp)

Gene: BMPR2 (bone morphogenetic protein receptor type 2; plus strand). Cytogenetic location: 2q33.2.
Variant type: single nucleotide variant.
Coding change: c.1016T>A on transcript NM_001204.7 (MANE Select); coding-DNA position 1016, T replaced by A.
Protein change: p.Val339Asp; replaces valine 339 with aspartic acid.
Molecular consequence: missense variant.
Genome position (GRCh38, 1-based): chr2:202,530,842, T>A. VCF-style: chr2-202530842-T-A. GRCh37 (hg19) VCF-style: chr2-203395565-T-A.
Other names: NM_001204.7(BMPR2):c.1016T>A; p.Val339Asp; c.1016T>A (LRG_712t1); short protein forms V339D.
Identifiers: ClinVar variation 425863 (VCV000425863.3), dbSNP rs1085307288, ClinGen allele CA350341378.

ClinVar aggregate classification (germline): Likely pathogenic. Review status: reviewed by expert panel (3 of 4 stars). 2 submissions from 2 submitters: Likely pathogenic (1). 1 of the submissions does not count toward it. Last evaluated 2026-04-09.

Conditions:
Pulmonary arterial hypertension. Identifiers: Orphanet 182090, MedGen C2973725, MeSH D000081029, MONDO:0015924, HP:0002092.
Pulmonary hypertension, primary, 1 (PPH1). Also called: Pulmonary hypertension, familial primary, 1, with or without HHT. Identifiers: Orphanet 422, MedGen C4552070, MONDO:0024533, OMIM 178600.

Submissions (2):

Clingen Pulmonary Hypertension Variant Curation Expert Panel, ClinGen
Classification: Likely pathogenic for Pulmonary arterial hypertension. Last evaluated: 2026-04-09. Review status: reviewed by expert panel. Criteria: ClinGen PH ACMG Specifications BMPR2 V2.0.0. Collection method: curation. Allele origin: germline. Inheritance: Autosomal dominant inheritance.
Comment: The NM_001204.7(BMPR2) c.1016T>A (p.Val339Asp) variant is harboured in exon 8 of the gene, encoding the functionally relevant catalytic kinase domain (PM1_met). This variant is absent from gnomAD v2.1.1 (controls) and v4.1.0 (PM2_supporting). BMPR2 has a low rate of benign missense variation (misZ = 3.28, gnomAD v4.1) and missense variants are a common mechanism of disease (PP2). The REVEL prediction algorithm score is 0.967, AlphaMissense is 0.9992 indicating pathogenicity (PP3_met). PP1 and PS2 were not assessed due to absence of co-segregation data and parental data respectively. No other amino acid change at the same position has been reported for PAH (PS1 and PM5 not assessed). Functional studies have not been conducted for this variant (PS3 not assessed). In summary, this variant meets the criteria to be classified as likely pathogenic for pulmonary arterial hypertension based on the ACMG/AMP criteria applied, as specified by the ClinGen Pulmonary Hypertension VCEP: PM1, PM2_supporting, PP2, PP3, PS4_supporting (VCEP specification version 2.0, 1/30/2026).

Rare Disease Genomics Group, St George's University of London
Classification: Pathogenic for Primary pulmonary hypertension. Review status: no assertion criteria provided. Collection method: literature only. Allele origin: germline. Affected: yes. Not counted in ClinVar's aggregate classification.

Literature cited by the submitters: PubMed 23675998 (cited by Rare Disease Genomics Group, St George's University of London); PubMed 23579436 (cited by Rare Disease Genomics Group, St George's University of London).